The following is an entry in ClinVar:

ClinVar aggregate classification (germline): Uncertain significance (1 of 4 stars; one submission).

Conditions:
Actin accumulation myopathy (CMYO2A). Also called: CONGENITAL MYOPATHY 2A, TYPICAL, AUTOSOMAL DOMINANT; Nemaline myopathy type 3; Myopathy, actin, congenital, with excess of thin myofilaments; Myopathy, actin, congenital, with cores; Nemaline myopathy 3, with intranuclear rods. Identifiers: Orphanet 98904, MedGen C3711389, MONDO:0008070, OMIM 161800.

Submission:

Broad Center for Mendelian Genomics, Broad Institute of MIT and Harvard
Classification: Uncertain significance for Actin accumulation myopathy. Last evaluated: 2022-05-04. Review status: criteria provided, single submitter. Criteria: ACMG Guidelines, 2015. Collection method: curation. Allele origin: germline. Inheritance: Autosomal dominant inheritance.
Comment: The variant has not been previously reported in individuals with nemaline myopathy 3 and was absent from large population studies. Computational prediction tools and conservation analyses suggest that this variant may impact the protein, though this information is not predictive enough to determine pathogenicity. The number of missense variants reported in ACTA1 in the general population is lower than expected, suggesting there is little benign variation in this gene and slightly increasing the possibility that a missense variant in this gene may not be tolerated. In summary, while there is some suspicion for a pathogenic role, the clinical significance of this variant is uncertain. ACMG/AMP Criteria applied: PM2, PP2, PP3 (Richards 2015).

NM_001100.4(ACTA1):c.158A>T (p.Asp53Val)

Gene: ACTA1 (actin alpha 1, skeletal muscle; minus strand). Cytogenetic location: 1q42.13.
Variant type: single nucleotide variant.
Coding change: c.158A>T on transcript NM_001100.4 (MANE Select); coding-DNA position 158, A replaced by T.
Protein change: p.Asp53Val; replaces aspartic acid 53 with valine.
Molecular consequence: missense variant.
Genome position (GRCh38, 1-based): chr1:229,432,852, T>A on the plus strand (A>T on the coding strand, the complement: ACTA1 is on the minus strand). VCF-style: chr1-229432852-T-A. GRCh37 (hg19) VCF-style: chr1-229568599-T-A.
Other names: NM_001100.4:c.158A>T; short protein forms D53V.
Identifiers: ClinVar variation 1679829 (VCV001679829.1), dbSNP rs2102736424, ClinGen allele CA345150943.